The following is an entry in ClinVar:

NM_001572.5(IRF7):c.210G>T (p.Trp70Cys)

Gene: IRF7 (interferon regulatory factor 7; minus strand). Cytogenetic location: 11p15.5.
Variant type: single nucleotide variant.
Coding change: c.210G>T on transcript NM_001572.5 (MANE Select); coding-DNA position 210, G replaced by T.
Protein change: p.Trp70Cys; replaces tryptophan 70 with cysteine.
Molecular consequence: missense variant.
Genome position (GRCh38, 1-based): chr11:614,981, C>A on the plus strand (G>T on the coding strand, the complement: IRF7 is on the minus strand). VCF-style: chr11-614981-C-A. GRCh37 (hg19) VCF-style: chr11-614981-C-A.
Other names: c.210G>T, p.Trp70Cys (NM_004029.4); c.249G>T, p.Trp83Cys (NM_004031.4); short protein forms W70C, W83C.
Identifiers: ClinVar variation 1062988 (VCV001062988.9), dbSNP rs1344827949, ClinGen allele CA378983472.

ClinVar aggregate classification (germline): Uncertain significance (1 of 4 stars; one submission).

Conditions:
Immunodeficiency 39 (IMD39). Identifiers: Orphanet 574918, MedGen C4225358, MONDO:0014597, OMIM 616345.

Allele frequency attached by ClinVar (database versions not stated): gnomAD exomes 0.00001.
gnomAD v4.1: 1 of 1,547,316 alleles (0.000065%); highest among the groups gnomAD compares: Non-Finnish European, 0.000087%; no homozygotes.

Submission:

Labcorp Genetics (formerly Invitae), Labcorp
Classification: Uncertain significance for Immunodeficiency 39. Last evaluated: 2020-09-23. Review status: criteria provided, single submitter. Criteria: Invitae Variant Classification Sherloc (09022015). Collection method: clinical testing. Allele origin: germline.
Comment: Algorithms developed to predict the effect of missense changes on protein structure and function are either unavailable or do not agree on the potential impact of this missense change (SIFT: "Deleterious"; PolyPhen-2: "Probably Damaging"; Align-GVGD: "Class C0"). This variant has not been reported in the literature in individuals with IRF7-related conditions. In summary, the available evidence is currently insufficient to determine the role of this variant in disease. Therefore, it has been classified as a Variant of Uncertain Significance. This sequence change replaces tryptophan with cysteine at codon 83 of the IRF7 protein (p.Trp83Cys). The tryptophan residue is moderately conserved and there is a large physicochemical difference between tryptophan and cysteine. This variant is not present in population databases (ExAC no frequency).